The following is an entry in ClinVar:

NM_000541.5(SAG):c.102C>G (p.Asp34Glu)

Gene: SAG (S-antigen visual arrestin; plus strand). Cytogenetic location: 2q37.1.
Variant type: single nucleotide variant.
Coding change: c.102C>G on transcript NM_000541.5 (MANE Select); coding-DNA position 102, C replaced by G.
Protein change: p.Asp34Glu; replaces aspartic acid 34 with glutamic acid.
Molecular consequence: missense variant.
Genome position (GRCh38, 1-based): chr2:233,316,101, C>G. VCF-style: chr2-233316101-C-G. GRCh37 (hg19) VCF-style: chr2-234224747-C-G.
Other names: short protein forms D34E.
Identifiers: ClinVar variation 196283 (VCV000196283.6), dbSNP rs794727485, ClinGen allele CA243185.

ClinVar aggregate classification (germline): Uncertain significance. Review status: criteria provided, multiple submitters, no conflicts (2 of 4 stars). 2 submissions from 2 submitters: Uncertain significance (2). Last evaluated 2026-02-04.

gnomAD v4.1: 1 of 1,598,576 alleles (0.000063%); highest among the groups gnomAD compares: Non-Finnish European, 0.000085%; no homozygotes.

Submissions (2):

Women's Health and Genetics/Laboratory Corporation of America, LabCorp
Classification: Uncertain significance. Last evaluated: 2026-02-04. Review status: criteria provided, single submitter. Criteria: LabCorp Variant Classification Summary - May 2015. Collection method: clinical testing. Allele origin: germline.
Comment: Variant summary: SAG c.102C>G (p.Asp34Glu) results in a conservative amino acid change in the encoded protein sequence. Algorithms developed to predict the effect of missense changes on protein structure and function are either unavailable or do not agree on the potential impact of this missense change. The variant was absent in 233194 control chromosomes. The available data on variant occurrences in the general population are insufficient to allow any conclusion about variant significance. To our knowledge, no occurrence of c.102C>G in individuals affected with SAG-related conditions and no experimental evidence demonstrating its impact on protein function have been reported. ClinVar contains an entry for this variant (Variation ID: 196283). Based on the evidence outlined above, the variant was classified as uncertain significance.

Eurofins Ntd Llc (ga)
Classification: Uncertain significance. Last evaluated: 2014-10-23. Review status: criteria provided, single submitter. Criteria: EGL Classification Definitions 2015. Collection method: clinical testing. Allele origin: germline. Observed: 1 variant allele, 1 heterozygote.